The following is an entry in ClinVar:

ClinVar aggregate classification (germline): Likely benign. Review status: criteria provided, multiple submitters, no conflicts (2 of 4 stars). 2 submissions from 2 submitters: Likely benign (2). Last evaluated 2025-12-18.

Conditions:
Oligodontia-cancer predisposition syndrome. Also called: TOOTH AGENESIS-COLORECTAL CANCER SYNDROME. Identifiers: Orphanet 300576, MedGen C1837750, MONDO:0012075, OMIM 608615. Disease mechanism: loss of function.

Submissions (2):

Dasa
Classification: Likely benign. Last evaluated: 2025-12-18. Review status: criteria provided, single submitter. Criteria: DASA Assertion Criteria. Collection method: clinical testing. Allele origin: germline.
Comment: NM_004655.4(AXIN2):c.957-6C>T is a splice-region variant. The variant context is inconsistent with a known disease-causing mechanism. Computational prediction algorithms are consistent with a benign effect. Therefore, based on the currently available evidence, this variant is classified as likely benign.

Labcorp Genetics (formerly Invitae), Labcorp
Classification: Likely benign for Oligodontia-cancer predisposition syndrome. Last evaluated: 2019-06-21. Review status: criteria provided, single submitter. Criteria: Invitae Variant Classification Sherloc (09022015). Collection method: clinical testing. Allele origin: germline.

NM_004655.4(AXIN2):c.957-6C>T

Gene: AXIN2 (axin 2; minus strand). Cytogenetic location: 17q24.1.
Variant type: single nucleotide variant.
Coding change: c.957-6C>T on transcript NM_004655.4 (MANE Select); 6 bases into the intron before coding-DNA position 957, C replaced by T.
Molecular consequence: intron variant.
Genome position (GRCh38, 1-based): chr17:65,541,563, G>A on the plus strand (C>T on the coding strand, the complement: AXIN2 is on the minus strand). VCF-style: chr17-65541563-G-A. GRCh37 (hg19) VCF-style: chr17-63537681-G-A.
Other names: c.957-6C>T (NM_001363813.1).
Identifiers: ClinVar variation 1107054 (VCV001107054.11), dbSNP rs2144501020, ClinGen allele CA2499224857.
Genomic context (GRCh38, chr17:65,541,563, plus strand): 5'-CATTTCTCTCTGGAGCTGTTTCTTACTGCCCACACGATAAGGAGGAATTCCATCTCTAAG[G>A]GAAAGGAAAAGACAGAATCCACAGGCTTACGAGGATGTTTTCAGCACATCACATGGGCTA-3'